The following is an entry in ClinVar:

NM_001042492.3(NF1):c.4206dup (p.Gly1403fs)

Gene: NF1 (neurofibromin 1; plus strand). Cytogenetic location: 17q11.2.
Variant type: Duplication.
Coding change: c.4206dup on transcript NM_001042492.3 (MANE Select); coding-DNA position 4206, one base duplicated (C; older notation c.4206dupC).
Protein change: p.Gly1403fs; shifts the reading frame from glycine 1403.
Molecular consequence: frameshift variant.
Genome position (GRCh38, 1-based): chr17:31,258,376, C duplicated. VCF-style (leftmost placement, unchanged base first): chr17-31258375-T-TC. GRCh37 (hg19) VCF-style: chr17-29585393-T-TC.
Other names: c.4143dup, p.Gly1382Argfs (NM_000267.4); short protein forms G1382fs, G1403fs.
Identifiers: ClinVar variation 1071654 (VCV001071654.5), dbSNP rs2151461863, ClinGen allele CA2499224125.
Genomic context (GRCh38, chr17:31,258,375, plus strand): 5'-ATACTCAATTCTCAACTCCTTGTTTTTAGGTGGTTAGCCAGCGTTTCCCTCAGAACAGCA[T>TC]CGGTGCAGTAGGAAGTGCCATGTTCCTCAGATTTATCAATCCTGCCATTGTCTCACCGTA-3'

ClinVar aggregate classification (germline): Pathogenic (1 of 4 stars; one submission).

Conditions:
Neurofibromatosis, type 1 (NF1). Also called: VON RECKLINGHAUSEN DISEASE; Peripheral type neurofibromatosis; NEUROFIBROMATOSIS, TYPE I, SOMATIC; Neurofibromatosis, type I. Identifiers: Orphanet 636, MedGen C0027831, MONDO:0018975, OMIM 162200. Disease mechanism: loss of function.

Submission:

Labcorp Genetics (formerly Invitae), Labcorp
Classification: Pathogenic for Neurofibromatosis, type 1. Last evaluated: 2024-04-05. Review status: criteria provided, single submitter. Criteria: Invitae Variant Classification Sherloc (09022015). Collection method: clinical testing. Allele origin: germline.
Comment: This sequence change creates a premature translational stop signal (p.Gly1382Argfs*21) in the NF1 gene. It is expected to result in an absent or disrupted protein product. Loss-of-function variants in NF1 are known to be pathogenic (PMID: 10712197, 23913538). This variant is not present in population databases (gnomAD no frequency). This variant has not been reported in the literature in individuals affected with NF1-related conditions. ClinVar contains an entry for this variant (Variation ID: 1071654). For these reasons, this variant has been classified as Pathogenic.

Literature cited by the submitters: PubMed 10712197; PubMed 23913538.